The following is an entry in ClinVar:

ClinVar aggregate classification (germline): Likely benign (1 of 4 stars; one submission).

Allele frequency attached by ClinVar (database versions not stated): 1000 Genomes Project 30x 0.00094; 1000 Genomes Project 0.00100; ESP Exome Variant Server 0.00173; TOPMed 0.00205; gnomAD 0.00212; ExAC 0.00288; gnomAD exomes 0.00306.
gnomAD v4.1: 4,801 of 1,612,554 alleles (0.3%); highest among the groups gnomAD compares: South Asian, 0.46%; 33 homozygotes.

Submissions (4):

CeGaT Center for Human Genetics Tuebingen
Classification: Likely benign. Last evaluated: 2022-04-01. Review status: criteria provided, single submitter. Criteria: CeGaT Center For Human Genetics Tuebingen Variant Classification Criteria Version 2. Collection method: clinical testing. Allele origin: germline. Affected: yes. Observed: 1 variant allele.
Comment: CD177: PP3, BS2

Dr. Peter K. Rogan Lab, Western University
No classification provided (evidence only). Condition: Hepatocellular carcinoma. Review status: no classification provided. Collection method: in vitro. Allele origin: not applicable. Functional consequence: retained intron. Not counted in ClinVar's aggregate classification.

Dr. Peter K. Rogan Lab, Western University
No classification provided (evidence only). Condition: Nonpapillary renal cell carcinoma. Review status: no classification provided. Collection method: in vitro. Allele origin: not applicable. Functional consequence: cryptic splice site. Not counted in ClinVar's aggregate classification.

Dr. Peter K. Rogan Lab, Western University
No classification provided (evidence only). Condition: Malignant tumor of esophagus. Review status: no classification provided. Collection method: in vitro. Allele origin: not applicable. Functional consequence: retained intron. Not counted in ClinVar's aggregate classification.

NM_020406.4(CD177):c.380-1G>C

Gene: CD177 (CD177 molecule; plus strand). Cytogenetic location: 19q13.31.
Variant type: single nucleotide variant.
Coding change: c.380-1G>C on transcript NM_020406.4 (MANE Select); the canonical splice acceptor site of the intron before coding-DNA position 380, G replaced by C.
Molecular consequence: splice acceptor variant.
Genome position (GRCh38, 1-based): chr19:43,355,660, G>C. VCF-style: chr19-43355660-G-C. GRCh37 (hg19) VCF-style: chr19-43859812-G-C.
Other names: NC_000019.9:g.43859812G>C.
Identifiers: ClinVar variation 2650060 (VCV002650060.25), dbSNP rs138962093, ClinGen allele CA9485900.